The following is an entry in ClinVar:

ClinVar aggregate classification (germline): Conflicting classifications of pathogenicity. Review status: criteria provided, conflicting classifications (1 of 4 stars). 2 submissions from 2 submitters: Uncertain significance (1); Likely benign (1). Last evaluated 2025-01-19.

Conditions:
Inborn genetic diseases. Identifiers: MedGen C0950123, MeSH D030342.

Allele frequency attached by ClinVar (database versions not stated): gnomAD 0.00001; TOPMed 0.00001; gnomAD exomes 0.00004 and 0.00010; ExAC 0.00012.
gnomAD v4.1: 70 of 1,612,730 alleles (0.0043%); highest among the groups gnomAD compares: South Asian, 0.07%; 1 homozygote.

Submissions (2):

Ambry Genetics
Classification: Likely benign for Inborn genetic diseases. Last evaluated: 2025-01-19. Review status: criteria provided, single submitter. Criteria: Ambry Variant Classification Scheme 2023. Collection method: clinical testing. Allele origin: germline.

GeneDx
Classification: Uncertain significance. Last evaluated: 2020-09-04. Review status: criteria provided, single submitter. Criteria: GeneDx Variant Classification Process June 2021. Collection method: clinical testing. Allele origin: germline. Affected: yes.
Comment: In silico analysis supports that this missense variant does not alter protein structure/function; Has not been previously published as pathogenic or benign to our knowledge

NM_002495.4(NDUFS4):c.406T>G (p.Ser136Ala)

Gene: NDUFS4 (NADH:ubiquinone oxidoreductase subunit S4; plus strand). Cytogenetic location: 5q11.2.
Variant type: single nucleotide variant.
Coding change: c.406T>G on transcript NM_002495.4 (MANE Select); coding-DNA position 406, T replaced by G.
Protein change: p.Ser136Ala; replaces serine 136 with alanine.
Molecular consequence: missense variant. On other transcripts: non-coding transcript variant (3), intron variant (1).
Genome position (GRCh38, 1-based): chr5:53,658,606, T>G. VCF-style: chr5-53658606-T-G. GRCh37 (hg19) VCF-style: chr5-52954436-T-G.
Other names: c.350+12201T>G (NM_001318051.2); short protein forms S136A.
Identifiers: ClinVar variation 214813 (VCV000214813.3), dbSNP rs760391381, ClinGen allele CA325239.